The following is an entry in ClinVar:

ClinVar aggregate classification (germline): Uncertain significance (1 of 4 stars; one submission).

Submission:

CeGaT Center for Human Genetics Tuebingen
Classification: Uncertain significance. Last evaluated: 2026-03-01. Review status: criteria provided, single submitter. Criteria: CeGaT Center For Human Genetics Tuebingen Variant Classification Criteria Version 2. Collection method: clinical testing. Allele origin: germline. Affected: yes. Observed: 1 variant allele.
Comment: AKAP9: PM2, BP4

NM_005751.5(AKAP9):c.3229T>C (p.Ser1077Pro)

Gene: AKAP9 (A-kinase anchoring protein 9; plus strand). Cytogenetic location: 7q21.2.
Variant type: single nucleotide variant.
Coding change: c.3229T>C on transcript NM_005751.5 (MANE Select); coding-DNA position 3229, T replaced by C.
Protein change: p.Ser1077Pro; replaces serine 1077 with proline.
Molecular consequence: missense variant.
Genome position (GRCh38, 1-based): chr7:92,003,146, T>C. VCF-style: chr7-92003146-T-C. GRCh37 (hg19) VCF-style: chr7-91632460-T-C.
Other names: c.3229T>C, p.Ser1077Pro (NM_147185.3); short protein forms S1077P.
Identifiers: ClinVar variation 4823566 (VCV004823566.4).